The following is an entry in ClinVar:

NM_002691.4(POLD1):c.2832del (p.Phe944fs)

Gene: POLD1 (DNA polymerase delta 1, catalytic subunit; plus strand). Cytogenetic location: 19q13.33.
Variant type: Deletion.
Coding change: c.2832del on transcript NM_002691.4 (MANE Select); coding-DNA position 2832, one base deleted (C; older notation c.2832delC).
Protein change: p.Phe944fs; shifts the reading frame from phenylalanine 944.
Molecular consequence: frameshift variant. On other transcripts: non-coding transcript variant (1).
Genome position (GRCh38, 1-based): chr19:50,416,407, C deleted. VCF-style (leftmost placement, unchanged base first): chr19-50416406-TC-T. GRCh37 (hg19) VCF-style: chr19-50919663-TC-T.
Other names: c.2832del, p.Phe944fs (NM_001256849.1); c.2910del, p.Phe970fs (NM_001308632.1); short protein forms F970fs, F944fs.
Identifiers: ClinVar variation 3729047 (VCV003729047.2).

ClinVar aggregate classification (germline): Uncertain significance (1 of 4 stars; one submission).

Conditions:
POLD1-related polyposis and colorectal cancer syndrome (CRCS10). Also called: Colorectal cancer 10; COLORECTAL CANCER, SUSCEPTIBILITY TO, ON CHROMOSOME 19q; Colorectal cancer, susceptibility to, 10. Identifiers: Orphanet 220460, MedGen C2675481, MONDO:0012953, OMIM 612591.

Submission:

Labcorp Genetics (formerly Invitae), Labcorp
Classification: Uncertain significance for POLD1-related polyposis and colorectal cancer syndrome. Last evaluated: 2025-01-15. Review status: criteria provided, single submitter. Criteria: Invitae Variant Classification Sherloc (09022015). Collection method: clinical testing. Allele origin: germline.
Comment: This sequence change creates a premature translational stop signal (p.Phe944Leufs*101) in the POLD1 gene. Missense variants that disrupt the 3'-5' exonuclease (proof-reading) activity of the POLD1 protein are associated with PPAP (polymerase proofreading–associated polyposis) (PMID: 23263490, 23447401). However, loss-of-function variants that result in an absent or severely disrupted POLD1 protein, and missense variants outside the exonuclease domain, are unlikely to be associated with PPAP. This variant is not present in population databases (gnomAD no frequency). This variant has not been reported in the literature in individuals affected with POLD1-related conditions. In summary, the available evidence is currently insufficient to determine the role of this variant in disease. Therefore, it has been classified as a Variant of Uncertain Significance.

Literature cited by the submitters: PubMed 23263490; PubMed 23447401.